The following is an entry in ClinVar:

ClinVar aggregate classification (germline): Uncertain significance. Review status: criteria provided, multiple submitters, no conflicts (2 of 4 stars). 7 submissions from 7 submitters: Uncertain significance (7). Last evaluated 2025-10-27.

Conditions:
Lynch syndrome. Identifiers: Orphanet 144, MedGen C4552100, MONDO:0005835. Disease mechanism: loss of function.
Hereditary nonpolyposis colorectal neoplasms. Identifiers: MedGen C0009405, MeSH D003123.
Hereditary cancer-predisposing syndrome. Also called: Tumor predisposition; Hereditary Cancer Syndrome; Hereditary neoplastic syndrome; Neoplastic Syndromes, Hereditary. Identifiers: Orphanet 140162, MedGen C0027672, MeSH D009386, MONDO:0015356.
Lynch syndrome 4 (LYNCH4). Also called: Colorectal cancer, hereditary nonpolyposis, type 4; Hereditary non-polyposis colorectal cancer, type 4. Identifiers: Orphanet 144, MedGen C1838333, MONDO:0013699, OMIM 614337. Disease mechanism: loss of function.

Allele frequency attached by ClinVar (database versions not stated): gnomAD 0.00001; gnomAD exomes 0.00001.

Submissions (7):

Labcorp Genetics (formerly Invitae), Labcorp
Classification: Uncertain significance for Hereditary nonpolyposis colorectal neoplasms. Last evaluated: 2025-10-27. Review status: criteria provided, single submitter. Criteria: Invitae Variant Classification Sherloc (09022015). Collection method: clinical testing. Allele origin: germline.
Comment: This sequence change replaces arginine, which is basic and polar, with glutamine, which is neutral and polar, at codon 802 of the PMS2 protein (p.Arg802Gln). The frequency data for this variant in the population databases (gnomAD) is considered unreliable due to the presence of homologous sequence, such as pseudogenes or paralogs, in the genome. This variant has not been reported in the literature in individuals affected with PMS2-related conditions. ClinVar contains an entry for this variant (Variation ID: 411071). Invitae Evidence Modeling incorporating data from in vitro experimental studies (internal data) indicates that this missense variant is not expected to disrupt PMS2 function with a negative predictive value of 95%. In summary, the available evidence is currently insufficient to determine the role of this variant in disease. Therefore, it has been classified as a Variant of Uncertain Significance.

Women's Health and Genetics/Laboratory Corporation of America, LabCorp
Classification: Uncertain significance. Last evaluated: 2025-10-14. Review status: criteria provided, single submitter. Criteria: LabCorp Variant Classification Summary - May 2015. Collection method: clinical testing. Allele origin: germline.
Comment: Variant summary: PMS2 c.2405G>A (p.Arg802Gln) results in a conservative amino acid change located in the MutL, C-terminal, dimerisation domain (IPR014790) of the encoded protein sequence. Algorithms developed to predict the effect of missense changes on protein structure and function are either unavailable or do not agree on the potential impact of this missense change. The variant allele was found at a frequency of 8.9e-06 in 224314 control chromosomes (gnomAD). The available data on variant occurrences in the general population are insufficient to allow any conclusion about variant significance. c.2405G>A has been observed in an individual affected with breast cancer without strong evidence of causality (Guindalini_2022). This report does not provide unequivocal conclusions about association of the variant with Hereditary Nonpolyposis Colorectal Cancer. To our knowledge, no experimental evidence demonstrating an impact on protein function has been reported. The following publication has been ascertained in the context of this evaluation (PMID: 35264596). ClinVar contains an entry for this variant (Variation ID: 411071). Based on the evidence outlined above, the variant was classified as uncertain significance.

Ambry Genetics
Classification: Uncertain significance for Hereditary cancer-predisposing syndrome. Last evaluated: 2024-12-22. Review status: criteria provided, single submitter. Criteria: Ambry Variant Classification Scheme 2023. Collection method: clinical testing. Allele origin: germline.
Comment: The p.R802Q variant (also known as c.2405G>A), located in coding exon 14 of the PMS2 gene, results from a G to A substitution at nucleotide position 2405. The arginine at codon 802 is replaced by glutamine, an amino acid with highly similar properties. This alteration was detected in a cohort of 1663 Brazilian breast cancer patients who underwent hereditary multigene panel testing (Guindalini RSC et al. Sci Rep, 2022 Mar;12:4190). This amino acid position is highly conserved in available vertebrate species. In addition, this alteration is predicted to be deleterious by in silico analysis. Based on the available evidence, the clinical significance of this variant remains unclear.

Department of Pathology and Laboratory Medicine, Sinai Health System
Classification: Uncertain significance for Lynch syndrome. Last evaluated: 2024-03-05. Review status: criteria provided, single submitter. Criteria: ACMG Guidelines, 2015. Collection method: clinical testing. Allele origin: germline. Affected: yes.

Baylor Genetics
Classification: Uncertain significance for Lynch syndrome 4. Last evaluated: 2023-08-07. Review status: criteria provided, single submitter. Criteria: ACMG Guidelines, 2015. Collection method: clinical testing. Allele origin: unknown.

Quest Diagnostics Nichols Institute San Juan Capistrano
Classification: Uncertain significance. Last evaluated: 2020-11-20. Review status: criteria provided, single submitter. Criteria: Quest Diagnostics criteria. Collection method: clinical testing. Allele origin: unknown.

Mendelics
Classification: Uncertain significance for Lynch syndrome. Last evaluated: 2018-07-02. Review status: criteria provided, single submitter. Criteria: Mendelics Assertion Criteria 2017. Collection method: clinical testing. Allele origin: unknown.

Literature cited by the submitters: PubMed 35264596 (cited by Women's Health and Genetics/Laboratory Corporation of America, LabCorp and Ambry Genetics).

NM_000535.7(PMS2):c.2405G>A (p.Arg802Gln)

Gene: PMS2 (PMS1 homolog 2, mismatch repair system component; minus strand). Cytogenetic location: 7p22.1.
Variant type: single nucleotide variant.
Coding change: c.2405G>A on transcript NM_000535.7 (MANE Select); coding-DNA position 2405, G replaced by A.
Protein change: p.Arg802Gln; replaces arginine 802 with glutamine.
Molecular consequence: missense variant. On other transcripts: non-coding transcript variant (1).
Genome position (GRCh38, 1-based): chr7:5,977,628, C>T on the plus strand (G>A on the coding strand, the complement: PMS2 is on the minus strand). VCF-style: chr7-5977628-C-T. GRCh37 (hg19) VCF-style: chr7-6017259-C-T.
Other names: c.2000G>A, p.Arg667Gln (NM_001322003.2, NM_001322004.2, NM_001322005.2); c.2249G>A, p.Arg750Gln (NM_001322006.2); c.2087G>A, p.Arg696Gln (NM_001322007.2, NM_001322008.2); c.2033G>A, p.Arg678Gln (NM_001322009.2); c.1844G>A, p.Arg615Gln (NM_001322010.2); c.1472G>A, p.Arg491Gln (NM_001322011.2, NM_001322012.2); c.1832G>A, p.Arg611Gln (NM_001322013.2); c.2438G>A, p.Arg813Gln (NM_001322014.2); and 1 more; short protein forms R802Q, R611Q, R667Q, R678Q, R615Q, R696Q, R699Q, R491Q.
Identifiers: ClinVar variation 411071 (VCV000411071.18), dbSNP rs1060503143, ClinGen allele CA16612379.